The following is an entry in ClinVar:

ClinVar aggregate classification (germline): Conflicting classifications of pathogenicity. Review status: criteria provided, conflicting classifications (1 of 4 stars). 3 submissions from 3 submitters: Uncertain significance (2); Likely benign (1). Last evaluated 2025-08-15.

Allele frequency attached by ClinVar (database versions not stated): gnomAD 0.00001; TOPMed 0.00001; ExAC 0.00002; gnomAD exomes 0.00002; ESP Exome Variant Server 0.00008.
gnomAD v4.1: 25 of 1,611,860 alleles (0.0016%); highest among the groups gnomAD compares: Non-Finnish European, 0.0021%; no homozygotes.

Submissions (3):

Labcorp Genetics (formerly Invitae), Labcorp
Classification: Uncertain significance. Last evaluated: 2025-08-15. Review status: criteria provided, single submitter. Criteria: Invitae Variant Classification Sherloc (09022015). Collection method: clinical testing. Allele origin: germline.
Comment: This sequence change replaces aspartic acid, which is acidic and polar, with glycine, which is neutral and non-polar, at codon 504 of the TNNI3K protein (p.Asp504Gly). This variant is present in population databases (rs377394187, gnomAD 0.005%). This variant has not been reported in the literature in individuals affected with TNNI3K-related conditions. ClinVar contains an entry for this variant (Variation ID: 2206620). Invitae Evidence Modeling of protein sequence and biophysical properties (such as structural, functional, and spatial information, amino acid conservation, physicochemical variation, residue mobility, and thermodynamic stability) indicates that this missense variant is not expected to disrupt TNNI3K protein function with a negative predictive value of 80%. Algorithms developed to predict the effect of sequence changes on RNA splicing suggest that this variant may disrupt the consensus splice site. In summary, the available evidence is currently insufficient to determine the role of this variant in disease. Therefore, it has been classified as a Variant of Uncertain Significance.

Blueprint Genetics
Classification: Likely benign. Last evaluated: 2024-10-03. Review status: criteria provided, single submitter. Criteria: ACMG Guidelines, 2015. Collection method: clinical testing. Allele origin: germline.

Ambry Genetics
Classification: Uncertain significance. Last evaluated: 2024-08-27. Review status: criteria provided, single submitter. Criteria: Ambry Variant Classification Scheme 2023. Collection method: clinical testing. Allele origin: germline.

NM_015978.3(TNNI3K):c.1511A>G (p.Asp504Gly)

Genes: FPGT-TNNI3K (FPGT-TNNI3K readthrough; plus strand), TNNI3K (TNNI3 interacting kinase; plus strand). Cytogenetic location: 1p31.1.
Variant type: single nucleotide variant.
Coding change: c.1511A>G on transcript NM_015978.3 (MANE Select); coding-DNA position 1511, A replaced by G.
Protein change: p.Asp504Gly; replaces aspartic acid 504 with glycine.
Molecular consequence: missense variant.
Genome position (GRCh38, 1-based): chr1:74,369,429, A>G. VCF-style: chr1-74369429-A-G. GRCh37 (hg19) VCF-style: chr1-74835113-A-G.
Other names: c.1814A>G, p.Asp605Gly (NM_001112808.3, NM_001199327.2); short protein forms D504G, D605G.
Identifiers: ClinVar variation 2206620 (VCV002206620.5), dbSNP rs377394187, ClinGen allele CA909320.